The following is an entry in ClinVar:

NM_145290.4(ADGRA3):c.3847C>T (p.Leu1283Phe)

Gene: ADGRA3 (adhesion G protein-coupled receptor A3; minus strand). Cytogenetic location: 4p15.2.
Variant type: single nucleotide variant.
Coding change: c.3847C>T on transcript NM_145290.4 (MANE Select); coding-DNA position 3847, C replaced by T.
Protein change: p.Leu1283Phe; replaces leucine 1283 with phenylalanine.
Molecular consequence: missense variant.
Genome position (GRCh38, 1-based): chr4:22,387,824, G>A on the plus strand (C>T on the coding strand, the complement: ADGRA3 is on the minus strand). VCF-style: chr4-22387824-G-A. GRCh37 (hg19) VCF-style: chr4-22389447-G-A.
Other names: short protein forms L1283F.
Identifiers: ClinVar variation 1967357 (VCV001967357.5), dbSNP rs897922444, ClinGen allele CA356471553.
Genomic context (GRCh38, chr4:22,387,824, plus strand): 5'-CGAGCAAGGGTCCCTCCTGCCCATTGCTTTTAATTGGTCCATTCTGAATGGCCAAGTTGA[G>A]GCCATAAGATTTTTGCTGATTTTCAAGTTCAACCACAGCTGGCTTCCTTAACGCATCTTT-3'
Protein context (NP_660333.2, residues 1273-1293): ELENQQKSYG[Leu1283Phe]NLAIQNGPIK

ClinVar aggregate classification (germline): Uncertain significance (1 of 4 stars; one submission).

Submission:

Labcorp Genetics (formerly Invitae), Labcorp
Classification: Uncertain significance. Last evaluated: 2022-06-15. Review status: criteria provided, single submitter. Criteria: Invitae Variant Classification Sherloc (09022015). Collection method: clinical testing. Allele origin: germline.
Comment: In summary, the available evidence is currently insufficient to determine the role of this variant in disease. Therefore, it has been classified as a Variant of Uncertain Significance. Algorithms developed to predict the effect of missense changes on protein structure and function are either unavailable or do not agree on the potential impact of this missense change (SIFT: "Deleterious"; PolyPhen-2: "Benign"; Align-GVGD: "Class C0"). This variant has not been reported in the literature in individuals affected with ADGRA3-related conditions. This variant is not present in population databases (gnomAD no frequency). This sequence change replaces leucine, which is neutral and non-polar, with phenylalanine, which is neutral and non-polar, at codon 1283 of the ADGRA3 protein (p.Leu1283Phe).